The following is an entry in ClinVar:

ClinVar aggregate classification (germline): Likely benign. Review status: criteria provided, multiple submitters, no conflicts (2 of 4 stars). 2 submissions from 2 submitters: Likely benign (2). Last evaluated 2024-11-08.

gnomAD v4.1: 510 of 1,523,294 alleles (0.033%); highest among the groups gnomAD compares: Admixed American, 0.068%; 1 homozygote.

Submissions (2):

Blueprint Genetics
Classification: Likely benign. Last evaluated: 2024-11-08. Review status: criteria provided, single submitter. Criteria: ACMG Guidelines, 2015. Collection method: clinical testing. Allele origin: germline.

CeGaT Center for Human Genetics Tuebingen
Classification: Likely benign. Last evaluated: 2024-11-01. Review status: criteria provided, single submitter. Criteria: CeGaT Center For Human Genetics Tuebingen Variant Classification Criteria Version 2. Collection method: clinical testing. Allele origin: germline. Affected: yes. Observed: 1 variant allele.
Comment: FSIP2: BP4, BP7

NM_173651.4(FSIP2):c.13827A>G (p.Arg4609=)

Gene: FSIP2 (fibrous sheath interacting protein 2; plus strand). Cytogenetic location: 2q32.1.
Variant type: single nucleotide variant.
Coding change: c.13827A>G on transcript NM_173651.4 (MANE Select); coding-DNA position 13827, A replaced by G.
Protein change: p.Arg4609=; no amino-acid change (arginine 4609 retained).
Molecular consequence: synonymous variant.
Genome position (GRCh38, 1-based): chr2:185,803,133, A>G. VCF-style: chr2-185803133-A-G. GRCh37 (hg19) VCF-style: chr2-186667860-A-G.
Identifiers: ClinVar variation 3388531 (VCV003388531.15).